The following is an entry in ClinVar:

ClinVar aggregate classification (germline): Uncertain significance. Review status: criteria provided, multiple submitters, no conflicts (2 of 4 stars). 5 submissions from 5 submitters: Uncertain significance (4). 1 of the submissions does not count toward it. Last evaluated 2025-07-20.

Conditions:
Cardiovascular phenotype. Identifiers: MedGen CN230736.
Cardiomyopathy (CMYO). Also called: Cardiomyopathies. Identifiers: Orphanet 167848, MedGen C0878544, MONDO:0004994, HP:0001638. Inheritance: Various modes of inheritance.
Becker muscular dystrophy (BMD). Also called: MUSCULAR DYSTROPHY, PSEUDOHYPERTROPHIC PROGRESSIVE, BECKER TYPE; Becker Muscular Dystrophy (BMD). Identifiers: Orphanet 98895, MedGen C0917713, MONDO:0010311, OMIM 300376.
Duchenne muscular dystrophy (DMD). Also called: Duchenne Muscular Dystrophy (DMD); MUSCULAR DYSTROPHY, PSEUDOHYPERTROPHIC PROGRESSIVE, DUCHENNE TYPE. Identifiers: Orphanet 98896, MedGen C0013264, MONDO:0010679, OMIM 310200.
Dystrophin deficiency.

Allele frequency attached by ClinVar (database versions not stated): TOPMed 0.00004; ESP Exome Variant Server 0.00009.
gnomAD v4.1: 1 of 1,205,223 alleles (0.000083%); highest among the groups gnomAD compares: Admixed American, 0.0022%; no homozygotes.

Submissions (5):

Labcorp Genetics (formerly Invitae), Labcorp
Classification: Uncertain significance for Duchenne muscular dystrophy. Last evaluated: 2025-07-20. Review status: criteria provided, single submitter. Criteria: Invitae Variant Classification Sherloc (09022015). Collection method: clinical testing. Allele origin: germline.
Comment: This sequence change falls in intron 15 of the DMD gene. It does not directly change the encoded amino acid sequence of the DMD protein. It affects a nucleotide within the consensus splice site. This variant is present in population databases (rs181399181, gnomAD 0.004%). This variant has not been reported in the literature in individuals affected with DMD-related conditions. ClinVar contains an entry for this variant (Variation ID: 239602). Variants that disrupt the consensus splice site are a relatively common cause of aberrant splicing (PMID: 17576681, 9536098). Algorithms developed to predict the effect of sequence changes on RNA splicing suggest that this variant is not likely to affect RNA splicing. In summary, the available evidence is currently insufficient to determine the role of this variant in disease. Therefore, it has been classified as a Variant of Uncertain Significance.

AiLife Diagnostics
Classification: Uncertain significance. Last evaluated: 2021-12-21. Review status: criteria provided, single submitter. Criteria: ACMG Guidelines, 2015. Collection method: clinical testing. Allele origin: germline. Affected: yes. Observed: 1 variant allele.

Ambry Genetics
Classification: Uncertain significance for Cardiovascular phenotype. Last evaluated: 2021-06-03. Review status: criteria provided, single submitter. Criteria: Ambry Variant Classification Scheme 2023. Collection method: clinical testing. Allele origin: germline.
Comment: The c.1813-3C>T intronic variant results from a C to T substitution 3 nucleotides upstream from coding exon 16 in the DMD gene. This nucleotide position is not well conserved in available vertebrate species. In silico splice site analysis predicts that this alteration will not have any significant effect on splicing. Based on data from gnomAD, the T allele has an overall frequency of <0.01% (2/176965) total alleles studied, with 0 hemizygotes observed. The highest observed frequency was <0.01% (1/12751) of African alleles. Since supporting evidence is limited at this time, the clinical significance of this alteration remains unclear.

Eurofins Ntd Llc (ga)
Classification: Uncertain significance. Last evaluated: 2015-10-23. Review status: criteria provided, single submitter. Criteria: EGL Classification Definitions 2015. Collection method: clinical testing. Allele origin: germline. Observed: 1 variant allele, 1 hemizygote.

Natera, Inc.
Classification: Uncertain significance for Becker muscular dystrophy; Cardiomyopathy; Duchenne muscular dystrophy; Dystrophin deficiency. Last evaluated: 2018-06-06. Review status: no assertion criteria provided. Collection method: clinical testing. Allele origin: germline. Not counted in ClinVar's aggregate classification.

Literature cited by the submitters: PubMed 17576681 (cited by Labcorp Genetics (formerly Invitae), Labcorp); PubMed 9536098 (cited by Labcorp Genetics (formerly Invitae), Labcorp).

NM_004006.3(DMD):c.1813-3C>T

Gene: DMD (dystrophin; minus strand). Cytogenetic location: Xp21.1.
Variant type: single nucleotide variant.
Coding change: c.1813-3C>T on transcript NM_004006.3 (MANE Select); 3 bases into the intron before coding-DNA position 1813, C replaced by T.
Molecular consequence: intron variant.
Genome position (GRCh38, 1-based): chrX:32,565,884, G>A on the plus strand (C>T on the coding strand, the complement: DMD is on the minus strand). VCF-style: chrX-32565884-G-A. GRCh37 (hg19) VCF-style: chrX-32584001-G-A.
Other names: c.1789-3C>T (NM_000109.4); c.1801-3C>T (NM_004009.3); c.1444-3C>T (NM_004010.3).
Identifiers: ClinVar variation 239602 (VCV000239602.16), dbSNP rs181399181, ClinGen allele CA10379710.